The following is an entry in ClinVar:

ClinVar aggregate classification (germline): Uncertain significance (1 of 4 stars; one submission).

Conditions:
Hereditary cancer-predisposing syndrome. Also called: Neoplastic Syndromes, Hereditary; Tumor predisposition; Hereditary neoplastic syndrome; Hereditary Cancer Syndrome. Identifiers: Orphanet 140162, MedGen C0027672, MeSH D009386, MONDO:0015356.

gnomAD v4.1: 3 of 1,614,070 alleles (0.00019%); highest among the groups gnomAD compares: Non-Finnish European, 0.00025%; no homozygotes.

Submission:

Ambry Genetics
Classification: Uncertain significance for Hereditary cancer-predisposing syndrome. Last evaluated: 2024-02-25. Review status: criteria provided, single submitter. Criteria: Ambry Variant Classification Scheme 2023. Collection method: clinical testing. Allele origin: germline.
Comment: The p.N685K variant (also known as c.2055T>A), located in coding exon 9 of the BRCA1 gene, results from a T to A substitution at nucleotide position 2055. The asparagine at codon 685 is replaced by lysine, an amino acid with similar properties. This amino acid position is conserved. In addition, this alteration is predicted to be tolerated by in silico analysis. Based on the available evidence, the clinical significance of this alteration remains unclear.

NM_007294.4(BRCA1):c.2055T>A (p.Asn685Lys)

Gene: BRCA1 (BRCA1 DNA repair associated; minus strand). Cytogenetic location: 17q21.31.
Variant type: single nucleotide variant.
Coding change: c.2055T>A on transcript NM_007294.4 (MANE Select); coding-DNA position 2055, T replaced by A.
Protein change: p.Asn685Lys; replaces asparagine 685 with lysine.
Molecular consequence: missense variant. On other transcripts: intron variant (137).
Genome position (GRCh38, 1-based): chr17:43,093,476, A>T on the plus strand (T>A on the coding strand, the complement: BRCA1 is on the minus strand). VCF-style: chr17-43093476-A-T. GRCh37 (hg19) VCF-style: chr17-41245493-A-T.
Other names: c.1914T>A, p.Asn638Lys (NM_001407734.1, NM_001407735.1, NM_001407733.1 and 29 more transcripts); c.1842T>A, p.Asn614Lys (NM_001407571.1, NM_001407853.1, NM_001407894.1 and 9 more transcripts); c.2055T>A, p.Asn685Lys (NM_001407581.1, NM_001407582.1, NM_001407583.1 and 30 more transcripts); c.2052T>A, p.Asn684Lys (NM_001407587.1, NM_001407590.1, NM_001407591.1 and 22 more transcripts); c.2046T>A, p.Asn682Lys (NM_001407646.1, NM_001407647.1); c.1932T>A, p.Asn644Lys (NM_001407648.1, NM_001407664.1, NM_001407665.1 and 19 more transcripts); c.1929T>A, p.Asn643Lys (NM_001407649.1, NM_001407670.1, NM_001407671.1 and 11 more transcripts); c.1977T>A, p.Asn659Lys (NM_001407653.1, NM_001407654.1, NM_001407655.1 and 4 more transcripts); and 40 more; short protein forms N389K, N517K, N557K, N558K, N573K, N574K, N596K, N597K.
Identifiers: ClinVar variation 3226111 (VCV003226111.1), dbSNP rs1555590600, ClinGen allele CA10597894.